The following is an entry in ClinVar:

ClinVar aggregate classification (germline): Uncertain significance. Review status: criteria provided, single submitter (1 of 4 stars). 3 submissions from 3 submitters: Uncertain significance (1). 2 of the submissions do not count toward it. Last evaluated 2022-06-06.

Conditions:
Inborn genetic diseases. Identifiers: MedGen C0950123, MeSH D030342.
Giant axonal neuropathy 1 (GAN1). Also called: GIANT AXONAL NEUROPATHY 1, AUTOSOMAL RECESSIVE; GAN-Related Neurodegeneration. Identifiers: Orphanet 643, MedGen C1850386, MONDO:0009749, OMIM 256850.

Allele frequency attached by ClinVar (database versions not stated): gnomAD exomes below 0.00001; TOPMed below 0.00001; gnomAD 0.00001.
gnomAD v4.1: 2 of 1,613,584 alleles (0.00012%); highest among the groups gnomAD compares: Non-Finnish European, 0.00017%; no homozygotes.

Submissions (3):

Ambry Genetics
Classification: Uncertain significance for Inborn genetic diseases. Last evaluated: 2022-06-06. Review status: criteria provided, single submitter. Criteria: Ambry Variant Classification Scheme 2023. Collection method: clinical testing. Allele origin: germline.
Comment: The p.I182N variant (also known as c.545T>A), located in coding exon 3 of the GAN gene, results from a T to A substitution at nucleotide position 545. The isoleucine at codon 182 is replaced by asparagine, an amino acid with dissimilar properties. This alteration was detected in conjunction with another GAN alteration in an individual with diffuse axonal neuropathy (Leung CL et al. BMC Genet, 2007 Mar;8:6). This amino acid position is not well conserved in available vertebrate species. In addition, the in silico prediction for this alteration is inconclusive. Since supporting evidence is limited at this time, the clinical significance of this alteration remains unclear.

Inherited Neuropathy Consortium Ii, University Of Miami
Classification: Uncertain significance for Giant axonal neuropathy 1. Last evaluated: 2016-01-06. Review status: no assertion criteria provided. Collection method: literature only. Allele origin: germline. Affected: yes. Not counted in ClinVar's aggregate classification.

Inherited Neuropathy Consortium
Classification: Uncertain significance for Giant axonal neuropathy. Review status: no assertion criteria provided. Collection method: literature only. Allele origin: germline. Affected: yes. Not counted in ClinVar's aggregate classification.

Literature cited by the submitters: PubMed 17331252 (cited by 3 submitters).

NM_022041.4(GAN):c.545T>A (p.Ile182Asn)

Gene: GAN (gigaxonin; plus strand). Cytogenetic location: 16q23.2.
Variant type: single nucleotide variant.
Coding change: c.545T>A on transcript NM_022041.4 (MANE Select); coding-DNA position 545, T replaced by A.
Protein change: p.Ile182Asn; replaces isoleucine 182 with asparagine.
Molecular consequence: missense variant. On other transcripts: 5 prime UTR variant (1).
Genome position (GRCh38, 1-based): chr16:81,354,667, T>A. VCF-style: chr16-81354667-T-A. GRCh37 (hg19) VCF-style: chr16-81388272-T-A.
Other names: c.-95T>A (NM_001377486.1); short protein forms I182N.
Identifiers: ClinVar variation 637093 (VCV000637093.4), dbSNP rs1258332075, ClinGen allele CA396868891.